The following is an entry in ClinVar:

NM_006206.6(PDGFRA):c.1850G>A (p.Arg617Gln)

Gene: PDGFRA (platelet derived growth factor receptor alpha; plus strand). Cytogenetic location: 4q12.
Variant type: single nucleotide variant.
Coding change: c.1850G>A on transcript NM_006206.6 (MANE Select); coding-DNA position 1850, G replaced by A.
Protein change: p.Arg617Gln; replaces arginine 617 with glutamine.
Molecular consequence: missense variant.
Genome position (GRCh38, 1-based): chr4:54,277,451, G>A. VCF-style: chr4-54277451-G-A. GRCh37 (hg19) VCF-style: chr4-55143618-G-A.
Other names: c.1850G>A, p.Arg617Gln (NM_001347827.2, NM_001347829.2); c.1925G>A, p.Arg642Gln (NM_001347828.2); c.1889G>A, p.Arg630Gln (NM_001347830.2); short protein forms R617Q, R630Q, R642Q.
Identifiers: ClinVar variation 459027 (VCV000459027.11), dbSNP rs377318745, ClinGen allele CA96861304.

ClinVar aggregate classification (germline): Uncertain significance. Review status: criteria provided, multiple submitters, no conflicts (2 of 4 stars). 3 submissions from 3 submitters: Uncertain significance (3). Last evaluated 2025-11-10.

Conditions:
Gastrointestinal stromal tumor. Also called: Gastrointestinal stroma tumor; Gastrointestinal stromal tumor, somatic. Identifiers: Orphanet 44890, MedGen C0238198, MeSH D046152, MONDO:0011719, OMIM 606764, HP:0100723.
Hereditary cancer-predisposing syndrome. Also called: Tumor predisposition; Hereditary neoplastic syndrome; Neoplastic Syndromes, Hereditary; Hereditary Cancer Syndrome. Identifiers: Orphanet 140162, MedGen C0027672, MeSH D009386, MONDO:0015356.

Allele frequency attached by ClinVar (database versions not stated): TOPMed 0.00002; gnomAD 0.00006; ESP Exome Variant Server 0.00008.
gnomAD v4.1: 25 of 1,613,862 alleles (0.0015%); highest among the groups gnomAD compares: African/African-American, 0.0093%; no homozygotes.

Submissions (3):

Labcorp Genetics (formerly Invitae), Labcorp
Classification: Uncertain significance for Gastrointestinal stromal tumor. Last evaluated: 2025-11-10. Review status: criteria provided, single submitter. Criteria: Invitae Variant Classification Sherloc (09022015). Collection method: clinical testing. Allele origin: germline.
Comment: This sequence change replaces arginine, which is basic and polar, with glutamine, which is neutral and polar, at codon 617 of the PDGFRA protein (p.Arg617Gln). This variant is present in population databases (rs377318745, gnomAD 0.02%). This variant has not been reported in the literature in individuals affected with PDGFRA-related conditions. ClinVar contains an entry for this variant (Variation ID: 459027). Invitae Evidence Modeling of protein sequence and biophysical properties (such as structural, functional, and spatial information, amino acid conservation, physicochemical variation, residue mobility, and thermodynamic stability) indicates that this missense variant is not expected to disrupt PDGFRA protein function with a negative predictive value of 80%. In summary, the available evidence is currently insufficient to determine the role of this variant in disease. Therefore, it has been classified as a Variant of Uncertain Significance.

Ambry Genetics
Classification: Uncertain significance for Hereditary cancer-predisposing syndrome. Last evaluated: 2025-03-29. Review status: criteria provided, single submitter. Criteria: Ambry Variant Classification Scheme 2023. Collection method: clinical testing. Allele origin: germline.
Comment: The p.R617Q variant (also known as c.1850G>A), located in coding exon 12 of the PDGFRA gene, results from a G to A substitution at nucleotide position 1850. The arginine at codon 617 is replaced by glutamine, an amino acid with highly similar properties. This amino acid position is well conserved in available vertebrate species. In addition, the in silico prediction for this alteration is inconclusive. Based on the available evidence, the clinical significance of this variant remains unclear.

GeneDx
Classification: Uncertain significance. Last evaluated: 2023-11-19. Review status: criteria provided, single submitter. Criteria: GeneDx Variant Classification Process June 2021. Collection method: clinical testing. Allele origin: germline. Affected: yes.
Comment: In silico analysis supports that this missense variant does not alter protein structure/function; Has not been previously published as pathogenic or benign to our knowledge